The following is an entry in ClinVar:

NM_015231.3(NUP160):c.2574+8C>G

Gene: NUP160 (nucleoporin 160; minus strand). Cytogenetic location: 11p11.2.
Variant type: single nucleotide variant.
Coding change: c.2574+8C>G on transcript NM_015231.3 (MANE Select); 8 bases into the intron after coding-DNA position 2574, C replaced by G.
Molecular consequence: intron variant.
Genome position (GRCh38, 1-based): chr11:47,804,541, G>C on the plus strand (C>G on the coding strand, the complement: NUP160 is on the minus strand). VCF-style: chr11-47804541-G-C. GRCh37 (hg19) VCF-style: chr11-47826093-G-C.
Identifiers: ClinVar variation 3346466 (VCV003346466.1).

ClinVar aggregate classification (germline): Likely benign (0 of 4 stars; one submission).

Conditions:
NUP160-related disorder. Also called: NUP160-related condition.

Submission:

PreventionGenetics, part of Exact Sciences
Classification: Likely benign for NUP160-related condition. Last evaluated: 2024-05-06. Review status: no assertion criteria provided. Collection method: clinical testing. Allele origin: germline.
Comment: This variant is classified as likely benign based on ACMG/AMP sequence variant interpretation guidelines (Richards et al. 2015 PMID: 25741868, with internal and published modifications).